The following is an entry in ClinVar:

NM_001283009.2(RTEL1):c.3063C>A (p.His1021Gln)

Genes: RTEL1-TNFRSF6B (RTEL1-TNFRSF6B readthrough (NMD candidate); plus strand), RTEL1 (regulator of telomere elongation helicase 1; plus strand). Cytogenetic location: 20q13.33.
Variant type: single nucleotide variant.
Coding change: c.3063C>A on transcript NM_001283009.2 (MANE Select); coding-DNA position 3063, C replaced by A.
Protein change: p.His1021Gln; replaces histidine 1021 with glutamine.
Molecular consequence: missense variant. On other transcripts: non-coding transcript variant (1).
Genome position (GRCh38, 1-based): chr20:63,694,442, C>A. VCF-style: chr20-63694442-C-A. GRCh37 (hg19) VCF-style: chr20-62325795-C-A.
Other names: p.His1045Gln; c.2394C>A, p.His798Gln (NM_001283010.1); c.3063C>A, p.His1021Gln (NM_016434.4); c.3135C>A, p.His1045Gln (NM_032957.5); short protein forms H1021Q, H1045Q, H798Q.
Identifiers: ClinVar variation 566087 (VCV000566087.11), dbSNP rs761907604, ClinGen allele CA9965819.

ClinVar aggregate classification (germline): Conflicting classifications of pathogenicity. Review status: criteria provided, conflicting classifications (1 of 4 stars). 5 submissions from 5 submitters: Uncertain significance (3); Benign (1). 1 of the submissions does not count toward it. Last evaluated 2026-01-09.

Conditions:
Inborn genetic diseases. Identifiers: MedGen C0950123, MeSH D030342.
RTEL1-related disorder. Also called: RTEL1-related disorders; RTEL1-related condition.
Dyskeratosis congenita, autosomal recessive 5 (DKCB5). Identifiers: MedGen C3554656, MONDO:0014076, OMIM 615190.
Pulmonary fibrosis and/or bone marrow failure, Telomere-related, 3. Also called: PULMONARY FIBROSIS AND/OR BONE MARROW FAILURE SYNDROME, TELOMERE-RELATED, 3. Identifiers: Orphanet 2032, MedGen C4225346, MONDO:0014613, OMIM 616373.
Dyskeratosis congenita. Identifiers: Orphanet 1775, MedGen C0265965, MONDO:0015780.

Allele frequency attached by ClinVar (database versions not stated): ExAC 0.00002; TOPMed 0.00002; gnomAD exomes 0.00003.
gnomAD v4.1: 13 of 1,612,132 alleles (0.00081%); highest among the groups gnomAD compares: East Asian, 0.022%; no homozygotes.

Submissions (5):

Labcorp Genetics (formerly Invitae), Labcorp
Classification: Benign for Dyskeratosis congenita, autosomal recessive 5; Pulmonary fibrosis and/or bone marrow failure, Telomere-related, 3. Last evaluated: 2026-01-09. Review status: criteria provided, single submitter. Criteria: Invitae Variant Classification Sherloc (09022015). Collection method: clinical testing. Allele origin: germline.

PreventionGenetics, part of Exact Sciences
Classification: Uncertain significance for RTEL1-related condition. Last evaluated: 2025-06-09. Review status: criteria provided, single submitter. Criteria: ACMG Guidelines, 2015. Collection method: clinical testing. Allele origin: germline.
Comment: The RTEL1 c.3135C>A variant is predicted to result in the amino acid substitution p.His1045Gln. To our knowledge, this variant has not been reported in the literature. This variant is reported in 0.044% of alleles in individuals of East Asian descent in gnomAD. At this time, the clinical significance of this variant is uncertain due to the absence of conclusive functional and genetic evidence.

Mayo Clinic Laboratories, Mayo Clinic
Classification: Uncertain significance. Last evaluated: 2022-03-08. Review status: criteria provided, single submitter. Criteria: ACMG Guidelines, 2015. Collection method: clinical testing. Allele origin: germline. Observed: 1 variant allele.

Ambry Genetics
Classification: Uncertain significance for Inborn genetic diseases. Last evaluated: 2020-12-10. Review status: criteria provided, single submitter. Criteria: Ambry Variant Classification Scheme 2023. Collection method: clinical testing. Allele origin: germline.
Comment: The c.3135C>A (p.H1045Q) alteration is located in exon 31 (coding exon 30) of the RTEL1 gene. This alteration results from a C to A substitution at nucleotide position 3135, causing the histidine (H) at amino acid position 1045 to be replaced by a glutamine (Q). The p.H1045Q alteration is predicted to be tolerated by in silico analysis. Based on insufficient or conflicting evidence, the clinical significance of this alteration remains unclear.

Natera, Inc.
Classification: Uncertain significance for Dyskeratosis congenita. Last evaluated: 2019-11-11. Review status: no assertion criteria provided. Collection method: clinical testing. Allele origin: germline. Not counted in ClinVar's aggregate classification.